The following is an entry in ClinVar:

ClinVar aggregate classification (germline): Uncertain significance. Review status: criteria provided, multiple submitters, no conflicts (2 of 4 stars). 2 submissions from 2 submitters: Uncertain significance (2). Last evaluated 2024-06-28.

Conditions:
Charcot-Marie-Tooth disease type 2. Also called: Charcot-Marie-Tooth type 2. Identifiers: Orphanet 64746, MedGen C0270914, MONDO:0018993.
Inborn genetic diseases. Identifiers: MedGen C0950123, MeSH D030342.

Allele frequency attached by ClinVar (database versions not stated): gnomAD exomes 0.00001; ExAC 0.00001.
gnomAD v4.1: 14 of 1,614,044 alleles (0.00087%); highest among the groups gnomAD compares: East Asian, 0.0022%; no homozygotes.

Submissions (2):

Labcorp Genetics (formerly Invitae), Labcorp
Classification: Uncertain significance for Charcot-Marie-Tooth disease type 2. Last evaluated: 2024-06-28. Review status: criteria provided, single submitter. Criteria: Invitae Variant Classification Sherloc (09022015). Collection method: clinical testing. Allele origin: germline.
Comment: This sequence change replaces arginine, which is basic and polar, with glutamine, which is neutral and polar, at codon 13 of the AARS protein (p.Arg13Gln). This variant is present in population databases (rs774437336, gnomAD 0.0009%). This variant has not been reported in the literature in individuals affected with AARS-related conditions. Advanced modeling of protein sequence and biophysical properties (such as structural, functional, and spatial information, amino acid conservation, physicochemical variation, residue mobility, and thermodynamic stability) performed at Invitae indicates that this missense variant is not expected to disrupt AARS protein function with a negative predictive value of 95%. In summary, the available evidence is currently insufficient to determine the role of this variant in disease. Therefore, it has been classified as a Variant of Uncertain Significance.

Ambry Genetics
Classification: Uncertain significance for Inborn genetic diseases. Last evaluated: 2022-07-20. Review status: criteria provided, single submitter. Criteria: Ambry Variant Classification Scheme 2023. Collection method: clinical testing. Allele origin: germline.

NM_001605.3(AARS1):c.38G>A (p.Arg13Gln)

Gene: AARS1 (alanyl-tRNA synthetase 1; minus strand). Cytogenetic location: 16q22.1.
Variant type: single nucleotide variant.
Coding change: c.38G>A on transcript NM_001605.3 (MANE Select); coding-DNA position 38, G replaced by A.
Protein change: p.Arg13Gln; replaces arginine 13 with glutamine.
Molecular consequence: missense variant.
Genome position (GRCh38, 1-based): chr16:70,282,726, C>T on the plus strand (G>A on the coding strand, the complement: AARS1 is on the minus strand). VCF-style: chr16-70282726-C-T. GRCh37 (hg19) VCF-style: chr16-70316629-C-T.
Other names: short protein forms R13Q.
Identifiers: ClinVar variation 3136282 (VCV003136282.3), dbSNP rs774437336, ClinGen allele CA8141245.